The following is an entry in ClinVar:

NM_000179.3(MSH6):c.2784del (p.Ala931fs)

Gene: MSH6 (mutS homolog 6; plus strand). Cytogenetic location: 2p16.3.
Variant type: Deletion.
Coding change: c.2784del on transcript NM_000179.3 (MANE Select); coding-DNA position 2784, one base deleted (T; older notation c.2784delT).
Protein change: p.Ala931fs; shifts the reading frame from alanine 931.
Molecular consequence: frameshift variant. On other transcripts: non-coding transcript variant (5), intron variant (2).
Genome position (GRCh38, 1-based): chr2:47,800,767, T deleted. VCF-style (leftmost placement, unchanged base first): chr2-47800766-CT-C. GRCh37 (hg19) VCF-style: chr2-48027905-CT-C.
Other names: c.2394del, p.Ala801fs (NM_001281492.2); c.1878del, p.Ala629fs (NM_001281493.2, NM_001281494.2, NM_001406811.1 and 6 more transcripts); c.2880del, p.Ala963fs (NM_001406795.1, NM_001406802.1); c.2784del, p.Ala931fs (NM_001406796.1, NM_001406798.1, NM_001406800.1 and 2 more transcripts); c.2487del, p.Ala832fs (NM_001406797.1, NM_001406801.1, NM_001406805.1 and 10 more transcripts); c.2259del, p.Ala756fs (NM_001406799.1, NM_001406806.1, NM_001406807.1); c.2706del, p.Ala905fs (NM_001406804.1); c.2790del, p.Ala933fs (NM_001406813.1); and 4 more; short protein forms A756fs, A931fs, A963fs, A875fs, A933fs, A832fs, A905fs, A246fs.
Identifiers: ClinVar variation 3658509 (VCV003658509.2).
Genomic context (GRCh38, chr2:47,800,766, plus strand): 5'-AATTGAACCGATGGGATACAGCCTTTGACCATGAAAAGGCTCGAAAGACTGGACTTATTA[CT>C]CCCAAAGCAGGCTTTGACTCTGATTATGACCAAGCTCTTGCTGACATAAGAGAAAATGAA-3'

ClinVar aggregate classification (germline): Pathogenic (1 of 4 stars; one submission).

Conditions:
Hereditary nonpolyposis colorectal neoplasms. Identifiers: MedGen C0009405, MeSH D003123.

Submission:

Labcorp Genetics (formerly Invitae), Labcorp
Classification: Pathogenic for Hereditary nonpolyposis colorectal neoplasms. Last evaluated: 2024-07-02. Review status: criteria provided, single submitter. Criteria: Invitae Variant Classification Sherloc (09022015). Collection method: clinical testing. Allele origin: germline.
Comment: This sequence change creates a premature translational stop signal (p.Ala931Glnfs*14) in the MSH6 gene. It is expected to result in an absent or disrupted protein product. Loss-of-function variants in MSH6 are known to be pathogenic (PMID: 18269114, 24362816). This variant is not present in population databases (gnomAD no frequency). This variant has not been reported in the literature in individuals affected with MSH6-related conditions. For these reasons, this variant has been classified as Pathogenic.

Literature cited by the submitters: PubMed 18269114; PubMed 24362816.